The following is an entry in ClinVar:

NM_004750.5(CRLF1):c.190G>A (p.Gly64Arg)

Gene: CRLF1 (cytokine receptor like factor 1; minus strand). Cytogenetic location: 19p13.11.
Variant type: single nucleotide variant.
Coding change: c.190G>A on transcript NM_004750.5 (MANE Select); coding-DNA position 190, G replaced by A.
Protein change: p.Gly64Arg; replaces glycine 64 with arginine.
Molecular consequence: missense variant.
Genome position (GRCh38, 1-based): chr19:18,599,772, C>T on the plus strand (G>A on the coding strand, the complement: CRLF1 is on the minus strand). VCF-style: chr19-18599772-C-T. GRCh37 (hg19) VCF-style: chr19-18710582-C-T.
Other names: c.190G>A (NM_004750.4); short protein forms G64R.
Identifiers: ClinVar variation 2150310 (VCV002150310.6), dbSNP rs142326326, ClinGen allele CA9314315.

ClinVar aggregate classification (germline): Uncertain significance. Review status: criteria provided, multiple submitters, no conflicts (2 of 4 stars). 3 submissions from 3 submitters: Uncertain significance (3). Last evaluated 2025-08-29.

Conditions:
Cold-induced sweating syndrome 1 (CISS1). Also called: CRISPONI/COLD-INDUCED SWEATING SYNDROME 1; CRLF1-Related Cold-Induced Sweating Syndrome including Crisponi Syndrome; MUSCLE CONTRACTIONS, TETANOFORM, WITH CHARACTERISTIC FACE, CAMPTODACTYLY, HYPERTHERMIA, AND SUDDEN DEATH; Crisponi syndrome. Identifiers: Orphanet 1545, Orphanet 157820, MedGen C1848947, MONDO:0010091, OMIM 272430.
Inborn genetic diseases. Identifiers: MedGen C0950123, MeSH D030342.

Allele frequency attached by ClinVar (database versions not stated): gnomAD exomes 0.00003; TOPMed 0.00003; gnomAD 0.00006; ExAC 0.00007; ESP Exome Variant Server 0.00008; 1000 Genomes Project 30x 0.00031; 1000 Genomes Project 0.00040.
gnomAD v4.1: 45 of 1,593,314 alleles (0.0028%); highest among the groups gnomAD compares: East Asian, 0.025%; no homozygotes.

Submissions (3):

Ambry Genetics
Classification: Uncertain significance for Inborn genetic diseases. Last evaluated: 2025-08-29. Review status: criteria provided, single submitter. Criteria: Ambry Variant Classification Scheme 2023. Collection method: clinical testing. Allele origin: germline.

Labcorp Genetics (formerly Invitae), Labcorp
Classification: Uncertain significance. Last evaluated: 2022-11-01. Review status: criteria provided, single submitter. Criteria: Invitae Variant Classification Sherloc (09022015). Collection method: clinical testing. Allele origin: germline.
Comment: Advanced modeling of protein sequence and biophysical properties (such as structural, functional, and spatial information, amino acid conservation, physicochemical variation, residue mobility, and thermodynamic stability) performed at Invitae indicates that this missense variant is not expected to disrupt CRLF1 protein function. In summary, the available evidence is currently insufficient to determine the role of this variant in disease. Therefore, it has been classified as a Variant of Uncertain Significance. This variant has not been reported in the literature in individuals affected with CRLF1-related conditions. This sequence change replaces glycine, which is neutral and non-polar, with arginine, which is basic and polar, at codon 64 of the CRLF1 protein (p.Gly64Arg). This variant is present in population databases (rs142326326, gnomAD 0.04%).

Juno Genomics, Hangzhou Juno Genomics, Inc
Classification: Uncertain significance for Cold-induced sweating syndrome 1. Review status: criteria provided, single submitter. Criteria: ACMG Guidelines, 2015. Collection method: clinical testing. Allele origin: germline.
Comment: Absent from controls (or at extremely low frequency if recessive) in Genome Aggregation Database.;Multiple lines of computational evidence suggest no impact on gene or gene product.